The following is an entry in ClinVar:

NM_206933.4(USH2A):c.8584C>T (p.Gln2862Ter)

Gene: USH2A (usherin; minus strand). Cytogenetic location: 1q41.
Variant type: single nucleotide variant.
Coding change: c.8584C>T on transcript NM_206933.4 (MANE Select); coding-DNA position 8584, C replaced by T.
Protein change: p.Gln2862Ter; replaces glutamine 2862 with a stop codon.
Molecular consequence: nonsense.
Genome position (GRCh38, 1-based): chr1:215,877,855, G>A on the plus strand (C>T on the coding strand, the complement: USH2A is on the minus strand). VCF-style: chr1-215877855-G-A. GRCh37 (hg19) VCF-style: chr1-216051197-G-A.
Other names: short protein forms Q2862*.
Identifiers: ClinVar variation 645172 (VCV000645172.14), dbSNP rs748863844, ClinGen allele CA344829827.

ClinVar aggregate classification (germline): Pathogenic. Review status: criteria provided, multiple submitters, no conflicts (2 of 4 stars). 4 submissions from 4 submitters: Pathogenic (4). Last evaluated 2025-09-05.

Conditions:
Usher syndrome type 2A. Also called: USHER SYNDROME, TYPE IIA; RETINAL DISEASE IN USHER SYNDROME TYPE IIA, MODIFIER OF. Identifiers: Orphanet 231178, Orphanet 886, MedGen C1848634, MONDO:0010169, OMIM 276901.
Retinitis pigmentosa 39 (RP39). Identifiers: Orphanet 791, MedGen C3151138, MONDO:0013436, OMIM 613809.

gnomAD v4.1: 2 of 1,613,730 alleles (0.00012%); highest among the groups gnomAD compares: Non-Finnish European, 0.00017%; no homozygotes.

Submissions (4):

Natera, Inc.
Classification: Pathogenic for Usher syndrome type 2A. Last evaluated: 2025-09-05. Review status: criteria provided, single submitter. Criteria: Natera Variant Classification Schema (03/2026). Collection method: clinical testing. Allele origin: germline.
Comment: The c.8584C>T variant in USH2A is a nonsense variant predicted to introduce a stop codon at amino acid 2862. This variant is expected to result in nonsense mediated decay, truncation, or a dysfunctional protein product. This variant is rare in the general population with a frequency below the threshold expected for the associated phenotype(s). This variant has been observed in one or more individuals affected with the associated recessive disease, as either homozygous or compound heterozygous with a second variant (PMID: 33089500). Given the available evidence, this variant is classified as Pathogenic.

GeneDx
Classification: Pathogenic. Last evaluated: 2023-12-14. Review status: criteria provided, single submitter. Criteria: GeneDx Variant Classification Process June 2021. Collection method: clinical testing. Allele origin: germline. Affected: yes.
Comment: Nonsense variant predicted to result in protein truncation or nonsense mediated decay in a gene for which loss of function is a known mechanism of disease; Not observed at significant frequency in large population cohorts (gnomAD); This variant is associated with the following publications: (PMID: 28653555, 32675063, 33089500, 33535592, 30073356)

Baylor Genetics
Classification: Pathogenic for Retinitis pigmentosa 39. Last evaluated: 2023-12-05. Review status: criteria provided, single submitter. Criteria: ACMG Guidelines, 2015. Collection method: clinical testing. Allele origin: unknown.

Labcorp Genetics (formerly Invitae), Labcorp
Classification: Pathogenic. Last evaluated: 2023-08-23. Review status: criteria provided, single submitter. Criteria: Invitae Variant Classification Sherloc (09022015). Collection method: clinical testing. Allele origin: germline.
Comment: This sequence change creates a premature translational stop signal (p.Gln2862*) in the USH2A gene. It is expected to result in an absent or disrupted protein product. Loss-of-function variants in USH2A are known to be pathogenic (PMID: 10729113, 10909849, 20507924, 25649381). This variant is not present in population databases (gnomAD no frequency). This premature translational stop signal has been observed in individual(s) with Usher's syndrome type II (PMID: 28653555, 30073356). ClinVar contains an entry for this variant (Variation ID: 645172). For these reasons, this variant has been classified as Pathogenic.

Literature cited by the submitters: PubMed 33089500 (cited by Natera, Inc.); PubMed 10729113 (cited by Labcorp Genetics (formerly Invitae), Labcorp); PubMed 10909849 (cited by Labcorp Genetics (formerly Invitae), Labcorp); PubMed 20507924 (cited by Labcorp Genetics (formerly Invitae), Labcorp); PubMed 25649381 (cited by Labcorp Genetics (formerly Invitae), Labcorp); PubMed 28653555 (cited by Labcorp Genetics (formerly Invitae), Labcorp); PubMed 30073356 (cited by Labcorp Genetics (formerly Invitae), Labcorp).